The following is an entry in ClinVar:

ClinVar aggregate classification (germline): Pathogenic. Review status: criteria provided, multiple submitters, no conflicts (2 of 4 stars). 2 submissions from 2 submitters: Pathogenic (2). Last evaluated 2022-12-16.

Conditions:
Dilated cardiomyopathy 3B (CMD3B). Also called: CMD3B: DMD-Related Dilated Cardiomyopathy; CARDIOMYOPATHY, DILATED, X-LINKED; DMD-Associated Dilated Cardiomyopathy. Identifiers: Orphanet 154, MedGen C3668940, MONDO:0010542, OMIM 302045.
Duchenne muscular dystrophy (DMD). Also called: MUSCULAR DYSTROPHY, PSEUDOHYPERTROPHIC PROGRESSIVE, DUCHENNE TYPE; Duchenne Muscular Dystrophy (DMD). Identifiers: Orphanet 98896, MedGen C0013264, MONDO:0010679, OMIM 310200.

Submissions (3):

Laboratory of Medical Genetics, National & Kapodistrian University of Athens
Classification: Pathogenic for Dilated cardiomyopathy 3B. Last evaluated: 2022-12-16. Review status: criteria provided, single submitter. Criteria: ACMG Guidelines, 2015. Collection method: clinical testing. Allele origin: germline. Affected: yes.
Comment: PVS1, PM2, PP5

Labcorp Genetics (formerly Invitae), Labcorp
Classification: Pathogenic for Duchenne muscular dystrophy. Last evaluated: 2020-12-05. Review status: criteria provided, single submitter. Criteria: Invitae Variant Classification Sherloc (09022015). Collection method: clinical testing. Allele origin: germline.
Comment: For these reasons, this variant has been classified as Pathogenic. Donor and acceptor splice site variants typically lead to a loss of protein function (PMID: 16199547), and loss-of-function variants in DMD are known to be pathogenic (PMID: 16770791, 25007885). Experimental studies have shown that disruption of this splice site affects mRNA splicing (PMID: 16077730). Disruption of this splice site has been observed in individual(s) with dystrophinopathy (PMID: 16077730, 21851881). This variant is also known as IVS13-2A>T. This variant is not present in population databases (ExAC no frequency). This sequence change affects an acceptor splice site in intron 13 of the DMD gene. It is expected to disrupt RNA splicing and likely results in an absent or disrupted protein product.

Dr. Peter K. Rogan Lab, Western University
No classification provided (evidence only). Condition: Nonpapillary renal cell carcinoma. Review status: no classification provided. Collection method: in vitro. Allele origin: not applicable. Functional consequence: retained intron. Not counted in ClinVar's aggregate classification.

Literature cited by the submitters: PubMed 16199547 (cited by Labcorp Genetics (formerly Invitae), Labcorp); PubMed 16770791 (cited by Labcorp Genetics (formerly Invitae), Labcorp); PubMed 25007885 (cited by Labcorp Genetics (formerly Invitae), Labcorp); PubMed 16077730 (cited by Labcorp Genetics (formerly Invitae), Labcorp); PubMed 21851881 (cited by Labcorp Genetics (formerly Invitae), Labcorp).

NM_004006.3(DMD):c.1603-2A>T

Gene: DMD (dystrophin; minus strand). Cytogenetic location: Xp21.1.
Variant type: single nucleotide variant.
Coding change: c.1603-2A>T on transcript NM_004006.3 (MANE Select); the canonical splice acceptor site of the intron before coding-DNA position 1603, A replaced by T.
Molecular consequence: splice acceptor variant.
Genome position (GRCh38, 1-based): chrX:32,573,848, T>A on the plus strand (A>T on the coding strand, the complement: DMD is on the minus strand). VCF-style: chrX-32573848-T-A. GRCh37 (hg19) VCF-style: chrX-32591965-T-A.
Other names: c.1579-2A>T (NM_000109.4); c.1591-2A>T (NM_004009.3); c.1234-2A>T (NM_004010.3).
Identifiers: ClinVar variation 1072276 (VCV001072276.11), dbSNP rs773779441, ClinGen allele CA412673556.